The following is an entry in ClinVar:

ClinVar aggregate classification (germline): Uncertain significance (1 of 4 stars; one submission).

Conditions:
Autosomal recessive hypophosphatemic bone disease (HHRH). Also called: HYPERCALCIURIC RICKETS; Hypophosphatemic rickets with hypercalciuria. Identifiers: Orphanet 157215, MedGen C1853271, MONDO:0009431, OMIM 241530.

Submission:

MVZ Medizinische Genetik Mainz
Classification: Uncertain significance for Autosomal recessive hypophosphatemic bone disease. Last evaluated: 2025-02-24. Review status: criteria provided, single submitter. Criteria: UK Practice Guidelines For Variant Classification V4 01 2020. Collection method: clinical testing. Allele origin: germline. Inheritance: Autosomal recessive inheritance. Affected: yes. Observed: 1 variant allele.
Comment: ACMG Criteria: PM3,PM2_SUP,PP4,BP4_MOD

NM_001177316.2(SLC34A3):c.1312G>C (p.Asp438His)

Gene: SLC34A3 (solute carrier family 34 member 3; plus strand). Cytogenetic location: 9q34.3.
Variant type: single nucleotide variant.
Coding change: c.1312G>C on transcript NM_001177316.2 (MANE Select); coding-DNA position 1312, G replaced by C.
Protein change: p.Asp438His; replaces aspartic acid 438 with histidine.
Molecular consequence: missense variant.
Genome position (GRCh38, 1-based): chr9:137,234,708, G>C. VCF-style: chr9-137234708-G-C. GRCh37 (hg19) VCF-style: chr9-140129160-G-C.
Other names: c.1312G>C, p.Asp438His (NM_001177317.2, NM_080877.3); short protein forms D438H.
Identifiers: ClinVar variation 4857272 (VCV004857272.1).